The following is an entry in ClinVar:

ClinVar aggregate classification (germline): Likely benign (0 of 4 stars; one submission).

Conditions:
MC3R-related disorder. Also called: MC3R-related condition.

Allele frequency attached by ClinVar (database versions not stated): TOPMed below 0.00001; gnomAD 0.00001; ExAC 0.00002; gnomAD exomes 0.00003.

Submission:

PreventionGenetics, part of Exact Sciences
Classification: Likely benign for MC3R-related condition. Last evaluated: 2024-02-13. Review status: no assertion criteria provided. Collection method: clinical testing. Allele origin: germline.
Comment: This variant is classified as likely benign based on ACMG/AMP sequence variant interpretation guidelines (Richards et al. 2015 PMID: 25741868, with internal and published modifications).

NM_019888.3(MC3R):c.393C>T (p.Ser131=)

Gene: MC3R (melanocortin 3 receptor; plus strand). Cytogenetic location: 20q13.2.
Variant type: single nucleotide variant.
Coding change: c.393C>T on transcript NM_019888.3 (MANE Select); coding-DNA position 393, C replaced by T.
Protein change: p.Ser131=; no amino-acid change (serine 131 retained).
Molecular consequence: synonymous variant.
Genome position (GRCh38, 1-based): chr20:56,249,236, C>T. VCF-style: chr20-56249236-C-T. GRCh37 (hg19) VCF-style: chr20-54824292-C-T.
Identifiers: ClinVar variation 3045524 (VCV003045524.2), dbSNP rs769843456, ClinGen allele CA9916991.
Genomic context (GRCh38, chr20:56,249,236, plus strand): 5'-GTTTATCCAGCACATGGACAACATCTTCGACTCCATGATCTGCATCTCCCTGGTGGCCTC[C>T]ATCTGCAACCTCCTGGCCATCGCCGTCGACAGGTACGTCACCATCTTTTACGCGCTCCGC-3'
Protein context (NP_063941.3, residues 121-141): DSMICISLVA[Ser131=]ICNLLAIAVD